The following is an entry in ClinVar:

NM_001024630.4(RUNX2):c.231_245del (p.Ala85_Ala89del)

Genes: RUNX2 (RUNX family transcription factor 2; plus strand), LOC109611589 (runt related transcription factor 2 polyalanine expansion region; plus strand). Cytogenetic location: 6p21.1.
Variant type: Deletion.
Coding change: c.231_245del on transcript NM_001024630.4 (MANE Select); coding-DNA positions 231 to 245, 15 bases deleted (TGCGGCGGCGGCGGC).
Protein change: p.Ala85_Ala89del.
Molecular consequence: inframe deletion.
Genome position (GRCh38, 1-based): chr6:45,422,765-45,422,779, TGCGGCGGCGGCGGC deleted; deleting any 15 consecutive bases within chr6:45,422,751-45,422,779 gives the same sequence; the c. name uses the placement nearest the transcript's 3' end. VCF-style (leftmost placement, unchanged base first): chr6-45422750-GGCGGCGGCGGCGGCT-G. GRCh37 (hg19) VCF-style: chr6-45390487-GGCGGCGGCGGCGGCT-G.
Other names: c.231_245del, p.Ala85_Ala89del (NM_001015051.4); c.189_203del, p.Ala71_Ala75del (NM_001278478.2, NM_001369405.1).
Identifiers: ClinVar variation 3610043 (VCV003610043.2).

ClinVar aggregate classification (germline): Uncertain significance (1 of 4 stars; one submission).

Submission:

Labcorp Genetics (formerly Invitae), Labcorp
Classification: Uncertain significance. Last evaluated: 2025-11-05. Review status: criteria provided, single submitter. Criteria: Invitae Variant Classification Sherloc (09022015). Collection method: clinical testing. Allele origin: germline.
Comment: This variant, c.231_245del, results in the deletion of 5 amino acid(s) of the RUNX2 protein (p.Ala85_Ala89del), but otherwise preserves the integrity of the reading frame. The frequency data for this variant in the population databases is considered unreliable, as metrics indicate poor data quality at this position in the gnomAD database. This variant has not been reported in the literature in individuals affected with RUNX2-related conditions. ClinVar contains an entry for this variant (Variation ID: 3610043). Experimental studies and prediction algorithms are not available or were not evaluated, and the functional significance of this variant is currently unknown. In summary, the available evidence is currently insufficient to determine the role of this variant in disease. Therefore, it has been classified as a Variant of Uncertain Significance.